The following is an entry in ClinVar:

NM_053025.4(MYLK):c.1994A>G (p.Glu665Gly)

Gene: MYLK (myosin light chain kinase; minus strand). Cytogenetic location: 3q21.1.
Variant type: single nucleotide variant.
Coding change: c.1994A>G on transcript NM_053025.4 (MANE Select); coding-DNA position 1994, A replaced by G.
Protein change: p.Glu665Gly; replaces glutamic acid 665 with glycine.
Molecular consequence: missense variant.
Genome position (GRCh38, 1-based): chr3:123,708,844, T>C on the plus strand (A>G on the coding strand, the complement: MYLK is on the minus strand). VCF-style: chr3-123708844-T-C. GRCh37 (hg19) VCF-style: chr3-123427691-T-C.
Other names: c.1466A>G, p.Glu489Gly (NM_001321309.2); c.1787A>G, p.Glu596Gly (NM_053026.4, NM_053028.4); c.1994A>G, p.Glu665Gly (NM_053027.4); c.1994A>G (NM_053025.3); short protein forms E489G, E596G, E665G.
Identifiers: ClinVar variation 3251302 (VCV003251302.3), dbSNP rs144701244.

ClinVar aggregate classification (germline): Uncertain significance. Review status: criteria provided, multiple submitters, no conflicts (2 of 4 stars). 3 submissions from 3 submitters: Uncertain significance (3). Last evaluated 2025-04-19.

Conditions:
Aortic aneurysm, familial thoracic 7 (AAT7). Also called: AORTIC DISSECTION, FAMILIAL, WITH OR WITHOUT AORTIC ANEURYSM. Identifiers: MedGen C3151077, MONDO:0013418, OMIM 613780.
Familial thoracic aortic aneurysm and aortic dissection (TAAD). Also called: Thoracic aortic aneurysms and dissections. Identifiers: Orphanet 91387, MedGen C4707243, MONDO:0019625.

Allele frequency attached by ClinVar (database versions not stated): ExAC 0.00001; gnomAD 0.00001; gnomAD exomes 0.00001; TOPMed 0.00001; ESP Exome Variant Server 0.00008.
gnomAD v4.1: 6 of 1,614,020 alleles (0.00037%); highest among the groups gnomAD compares: African/African-American, 0.0013%; no homozygotes.

Submissions (3):

Ambry Genetics
Classification: Uncertain significance for Familial thoracic aortic aneurysm and aortic dissection. Last evaluated: 2025-04-19. Review status: criteria provided, single submitter. Criteria: Ambry Variant Classification Scheme 2023. Collection method: clinical testing. Allele origin: germline.
Comment: The p.E665G variant (also known as c.1994A>G), located in coding exon 12 of the MYLK gene, results from an A to G substitution at nucleotide position 1994. The glutamic acid at codon 665 is replaced by glycine, an amino acid with similar properties. This amino acid position is conserved. In addition, the in silico prediction for this alteration is inconclusive. Based on the available evidence, the clinical significance of this variant remains unclear.

Labcorp Genetics (formerly Invitae), Labcorp
Classification: Uncertain significance for Aortic aneurysm, familial thoracic 7. Last evaluated: 2025-04-11. Review status: criteria provided, single submitter. Criteria: Invitae Variant Classification Sherloc (09022015). Collection method: clinical testing. Allele origin: germline.
Comment: This sequence change replaces glutamic acid, which is acidic and polar, with glycine, which is neutral and non-polar, at codon 665 of the MYLK protein (p.Glu665Gly). This variant is present in population databases (rs144701244, gnomAD 0.007%). This variant has not been reported in the literature in individuals affected with MYLK-related conditions. ClinVar contains an entry for this variant (Variation ID: 3251302). Invitae Evidence Modeling of protein sequence and biophysical properties (such as structural, functional, and spatial information, amino acid conservation, physicochemical variation, residue mobility, and thermodynamic stability) has been performed for this missense variant. However, the output from this modeling did not meet the statistical confidence thresholds required to predict the impact of this variant on MYLK protein function. In summary, the available evidence is currently insufficient to determine the role of this variant in disease. Therefore, it has been classified as a Variant of Uncertain Significance.

Women's Health and Genetics/Laboratory Corporation of America, LabCorp
Classification: Uncertain significance. Last evaluated: 2024-04-14. Review status: criteria provided, single submitter. Criteria: LabCorp Variant Classification Summary - May 2015. Collection method: clinical testing. Allele origin: germline.